The following is an entry in ClinVar:

NM_003470.3(USP7):c.58C>A (p.Pro20Thr)

Genes: USP7-AS1 (USP7 antisense RNA 1; plus strand), USP7 (ubiquitin specific peptidase 7; minus strand). Cytogenetic location: 16p13.2.
Variant type: single nucleotide variant.
Coding change: c.58C>A on transcript NM_003470.3 (MANE Select); coding-DNA position 58, C replaced by A.
Protein change: p.Pro20Thr; replaces proline 20 with threonine.
Molecular consequence: missense variant.
Genome position (GRCh38, 1-based): chr16:8,963,228, G>T on the plus strand (C>A on the coding strand, the complement: USP7 is on the minus strand). VCF-style: chr16-8963228-G-T. GRCh37 (hg19) VCF-style: chr16-9057085-G-T.
Other names: short protein forms P20T.
Identifiers: ClinVar variation 1711400 (VCV001711400.30), dbSNP rs1900093064, ClinGen allele CA394693121.

ClinVar aggregate classification (germline): Uncertain significance (1 of 4 stars; one submission).

Submission:

CeGaT Center for Human Genetics Tuebingen
Classification: Uncertain significance. Last evaluated: 2022-09-01. Review status: criteria provided, single submitter. Criteria: CeGaT Center For Human Genetics Tuebingen Variant Classification Criteria Version 2. Collection method: clinical testing. Allele origin: germline. Affected: yes. Observed: 1 variant allele.
Comment: USP7: PM2, PP2